The following is an entry in ClinVar:

ClinVar aggregate classification (germline): Uncertain significance (1 of 4 stars; one submission).

Submission:

Labcorp Genetics (formerly Invitae), Labcorp
Classification: Uncertain significance. Last evaluated: 2021-01-29. Review status: criteria provided, single submitter. Criteria: Invitae Variant Classification Sherloc (09022015). Collection method: clinical testing. Allele origin: germline.
Comment: In summary, the available evidence is currently insufficient to determine the role of this variant in disease. Therefore, it has been classified as a Variant of Uncertain Significance. Algorithms developed to predict the effect of missense changes on protein structure and function are either unavailable or do not agree on the potential impact of this missense change (SIFT: "Deleterious"; PolyPhen-2: "Probably Damaging"; Align-GVGD: "Class C0"). This variant has not been reported in the literature in individuals with ADGRV1-related conditions. This variant is not present in population databases (ExAC no frequency). This sequence change replaces glycine with glutamic acid at codon 1133 of the ADGRV1 protein (p.Gly1133Glu). The glycine residue is highly conserved and there is a moderate physicochemical difference between glycine and glutamic acid.

NM_032119.4(ADGRV1):c.3398G>A (p.Gly1133Glu)

Gene: ADGRV1 (adhesion G protein-coupled receptor V1; plus strand). Cytogenetic location: 5q14.3.
Variant type: single nucleotide variant.
Coding change: c.3398G>A on transcript NM_032119.4 (MANE Select); coding-DNA position 3398, G replaced by A.
Protein change: p.Gly1133Glu; replaces glycine 1133 with glutamic acid.
Molecular consequence: missense variant. On other transcripts: non-coding transcript variant (1).
Genome position (GRCh38, 1-based): chr5:90,651,712, G>A. VCF-style: chr5-90651712-G-A. GRCh37 (hg19) VCF-style: chr5-89947529-G-A.
Other names: short protein forms G1133E.
Identifiers: ClinVar variation 1495643 (VCV001495643.8), dbSNP rs2149460231, ClinGen allele CA360395986.
Genomic context (GRCh38, chr5:90,651,712, plus strand): 5'-CTAATGATGACCCAAATGGCATTTTTTCTCTGGAGCCCATAGACAAAGCAGTGGAAGAAG[G>A]AAAGACTAATGCATTTTGGTAAGCATATGTAGATAAGGCAAGTTTAAAATTGGGTGAAAT-3'
Protein context (NP_115495.3, residues 1123-1143): LEPIDKAVEE[Gly1133Glu]KTNAFWILRH